The following is an entry in ClinVar:

ClinVar aggregate classification (germline): Uncertain significance (1 of 4 stars; one submission).

Conditions:
Paget disease of bone 2, early-onset (PDB2). Also called: Paget disease of bone 2. Identifiers: MedGen C4085251, MONDO:0011183, OMIM 602080.
Frontotemporal dementia and/or amyotrophic lateral sclerosis 1 (FTDALS1). Also called: Frontotemporal dementia with motor neuron disease 1; C9orf72 Frontotemporal Dementia and/or Amyotrophic Lateral Sclerosis. Identifiers: Orphanet 275872, MedGen C5779877, MONDO:0007105, OMIM 105550.

Allele frequency attached by ClinVar (database versions not stated): gnomAD exomes below 0.00001.
gnomAD v4.1: 1 of 1,614,218 alleles (0.000062%); highest among the groups gnomAD compares: Non-Finnish European, 0.000085%; no homozygotes.

Submission:

Labcorp Genetics (formerly Invitae), Labcorp
Classification: Uncertain significance for Paget disease of bone 2, early-onset; Frontotemporal dementia and/or amyotrophic lateral sclerosis 1. Last evaluated: 2022-05-27. Review status: criteria provided, single submitter. Criteria: Invitae Variant Classification Sherloc (09022015). Collection method: clinical testing. Allele origin: germline.
Comment: This variant is not present in population databases (gnomAD no frequency). This variant has not been reported in the literature in individuals affected with SQSTM1-related conditions. This sequence change replaces threonine, which is neutral and polar, with isoleucine, which is neutral and non-polar, at codon 414 of the SQSTM1 protein (p.Thr414Ile). In summary, the available evidence is currently insufficient to determine the role of this variant in disease. Therefore, it has been classified as a Variant of Uncertain Significance. Algorithms developed to predict the effect of missense changes on protein structure and function are either unavailable or do not agree on the potential impact of this missense change (SIFT: "Deleterious"; PolyPhen-2: "Probably Damaging"; Align-GVGD: "Class C0").

NM_003900.5(SQSTM1):c.1241C>T (p.Thr414Ile)

Gene: SQSTM1 (sequestosome 1; plus strand). Cytogenetic location: 5q35.3.
Variant type: single nucleotide variant.
Coding change: c.1241C>T on transcript NM_003900.5 (MANE Select); coding-DNA position 1241, C replaced by T.
Protein change: p.Thr414Ile; replaces threonine 414 with isoleucine.
Molecular consequence: missense variant.
Genome position (GRCh38, 1-based): chr5:179,836,511, C>T. VCF-style: chr5-179836511-C-T. GRCh37 (hg19) VCF-style: chr5-179263511-C-T.
Other names: c.989C>T, p.Thr330Ile (NM_001142298.2, NM_001142299.2); short protein forms T414I, T330I.
Identifiers: ClinVar variation 2144133 (VCV002144133.4), dbSNP rs1758563553, ClinGen allele CA362453976.